The following is an entry in ClinVar:

NM_000110.4(DPYD):c.127_134del (p.Lys42_Arg43insTer)

Gene: DPYD (dihydropyrimidine dehydrogenase; minus strand). Cytogenetic location: 1p21.3.
Variant type: Deletion.
Coding change: c.127_134del on transcript NM_000110.4 (MANE Select); coding-DNA positions 127 to 134, 8 bases deleted (AGAAATCC; older notation c.127_134delAGAAATCC).
Protein change: p.Lys42_Arg43insTer.
Molecular consequence: nonsense.
Genome position (GRCh38, 1-based): chr1:97,883,280-97,883,287, GGATTTCT deleted on the plus strand (AGAAATCC on the coding strand, the reverse complement: DPYD is on the minus strand). VCF-style (leftmost placement, unchanged base first): chr1-97883279-AGGATTTCT-A. GRCh37 (hg19) VCF-style: chr1-98348835-AGGATTTCT-A.
Other names: c.127_134del, p.Lys42_Arg43insTer (NM_001160301.1); c.127_134del8 (NM_000110.3).
Identifiers: ClinVar variation 502676 (VCV000502676.13), dbSNP rs1207177925, ClinGen allele CA524801799.

ClinVar aggregate classification (germline): Pathogenic/Likely pathogenic. Review status: criteria provided, multiple submitters, no conflicts (2 of 4 stars). 6 submissions from 6 submitters: Pathogenic (1); Likely pathogenic (4). 1 of the submissions does not count toward it. Last evaluated 2024-01-17.

Conditions:
Dihydropyrimidine dehydrogenase deficiency (DPYDD). Also called: Hereditary Thymine-Uraciluria; DPD DEFICIENCY; DPYD DEFICIENCY. Identifiers: Orphanet 1675, MedGen C1959620, MONDO:0010130, OMIM 274270.

Allele frequency attached by ClinVar (database versions not stated): gnomAD 0.00001; gnomAD exomes below 0.00001; TOPMed 0.00001.

Submissions (6):

Baylor Genetics
Classification: Likely pathogenic for Dihydropyrimidine dehydrogenase deficiency. Last evaluated: 2024-01-17. Review status: criteria provided, single submitter. Criteria: ACMG Guidelines, 2015. Collection method: clinical testing. Allele origin: unknown.

Genome-Nilou Lab
Classification: Likely pathogenic for Dihydropyrimidine dehydrogenase deficiency. Last evaluated: 2023-04-11. Review status: criteria provided, single submitter. Criteria: ACMG Guidelines, 2015. Collection method: clinical testing. Allele origin: germline. Affected: no.

Dasa
Classification: Likely pathogenic for Dihydropyrimidine dehydrogenase deficiency. Last evaluated: 2022-04-10. Review status: criteria provided, single submitter. Criteria: ACMG Guidelines, 2015. Collection method: clinical testing. Allele origin: germline. Affected: yes. Observed: 1 variant allele.
Comment: The c.127_134del;p.(Arg43*) variant creates a premature translational stop signal in the DPYD gene. It is expected to result in an absent or disrupted protein product -PVS1. The variant is present at low allele frequencies population databases (rs1207177925 – gnomAD 0.00006575%; ABraOM no frequency) - PM2_supporting. In summary, the currently available evidence indicates that the variant is likely pathogenic.

Laboratorio de Genetica e Diagnostico Molecular, Hospital Israelita Albert Einstein
Classification: Likely pathogenic. Last evaluated: 2020-01-23. Review status: criteria provided, single submitter. Criteria: ACMG Guidelines, 2015. Collection method: clinical testing. Allele origin: germline. Affected: yes.
Comment: ACMG classification criteria: PVS1, PM2

Eurofins Ntd Llc (ga)
Classification: Pathogenic. Last evaluated: 2017-06-26. Review status: criteria provided, single submitter. Criteria: EGL Classification Definitions 2015. Collection method: clinical testing. Allele origin: germline. Observed: 1 variant allele, 1 heterozygote.

Counsyl
Classification: Likely pathogenic for Dihydropyrimidine dehydrogenase deficiency. Last evaluated: 2017-02-14. Review status: no assertion criteria provided. Collection method: clinical testing. Allele origin: unknown. Not counted in ClinVar's aggregate classification.